The following is an entry in ClinVar:

ClinVar aggregate classification (germline): Uncertain significance (1 of 4 stars; one submission).

Submission:

Labcorp Genetics (formerly Invitae), Labcorp
Classification: Uncertain significance. Last evaluated: 2025-06-12. Review status: criteria provided, single submitter. Criteria: Invitae Variant Classification Sherloc (09022015). Collection method: clinical testing. Allele origin: germline.
Comment: This sequence change replaces glycine, which is neutral and non-polar, with aspartic acid, which is acidic and polar, at codon 1218 of the FBN3 protein (p.Gly1218Asp). This variant is not present in population databases (gnomAD no frequency). This variant has not been reported in the literature in individuals affected with FBN3-related conditions. ClinVar contains an entry for this variant (Variation ID: 1998941). Invitae Evidence Modeling of protein sequence and biophysical properties (such as structural, functional, and spatial information, amino acid conservation, physicochemical variation, residue mobility, and thermodynamic stability) indicates that this missense variant is not expected to disrupt FBN3 protein function with a negative predictive value of 80%. In summary, the available evidence is currently insufficient to determine the role of this variant in disease. Therefore, it has been classified as a Variant of Uncertain Significance.

NM_032447.5(FBN3):c.3653G>A (p.Gly1218Asp)

Gene: FBN3 (fibrillin 3; minus strand). Cytogenetic location: 19p13.2.
Variant type: single nucleotide variant.
Coding change: c.3653G>A on transcript NM_032447.5 (MANE Select); coding-DNA position 3653, G replaced by A.
Protein change: p.Gly1218Asp; replaces glycine 1218 with aspartic acid.
Molecular consequence: missense variant.
Genome position (GRCh38, 1-based): chr19:8,116,733, C>T on the plus strand (G>A on the coding strand, the complement: FBN3 is on the minus strand). VCF-style: chr19-8116733-C-T. GRCh37 (hg19) VCF-style: chr19-8181617-C-T.
Other names: c.3653G>A, p.Gly1218Asp (NM_001321431.2); short protein forms G1218D.
Identifiers: ClinVar variation 1998941 (VCV001998941.4), dbSNP rs777808580, ClinGen allele CA403684208.